The following is an entry in ClinVar:

ClinVar aggregate classification (germline): Uncertain significance. Review status: criteria provided, multiple submitters, no conflicts (2 of 4 stars). 2 submissions from 2 submitters: Uncertain significance (2). Last evaluated 2025-08-03.

Conditions:
Inborn genetic diseases. Identifiers: MedGen C0950123, MeSH D030342.

Allele frequency attached by ClinVar (database versions not stated): ExAC 0.00001; gnomAD 0.00001; gnomAD exomes 0.00001 and 0.00002; TOPMed 0.00003; ESP Exome Variant Server 0.00008.
gnomAD v4.1: 27 of 1,613,556 alleles (0.0017%); highest among the groups gnomAD compares: Non-Finnish European, 0.0021%; no homozygotes.

Submissions (2):

Ambry Genetics
Classification: Uncertain significance for Inborn genetic diseases. Last evaluated: 2025-08-03. Review status: criteria provided, single submitter. Criteria: Ambry Variant Classification Scheme 2023. Collection method: clinical testing. Allele origin: germline.

Labcorp Genetics (formerly Invitae), Labcorp
Classification: Uncertain significance. Last evaluated: 2022-08-13. Review status: criteria provided, single submitter. Criteria: Invitae Variant Classification Sherloc (09022015). Collection method: clinical testing. Allele origin: germline.
Comment: In summary, the available evidence is currently insufficient to determine the role of this variant in disease. Therefore, it has been classified as a Variant of Uncertain Significance. Algorithms developed to predict the effect of sequence changes on RNA splicing suggest that this variant may create or strengthen a splice site. Algorithms developed to predict the effect of missense changes on protein structure and function (SIFT, PolyPhen-2, Align-GVGD) all suggest that this variant is likely to be tolerated. ClinVar contains an entry for this variant (Variation ID: 1397322). This variant has not been reported in the literature in individuals affected with C8B-related conditions. This variant is present in population databases (rs371789315, gnomAD 0.003%). This sequence change replaces asparagine, which is neutral and polar, with serine, which is neutral and polar, at codon 541 of the C8B protein (p.Asn541Ser).

NM_000066.4(C8B):c.1622A>G (p.Asn541Ser)

Gene: C8B (complement C8 beta chain; minus strand). Cytogenetic location: 1p32.2.
Variant type: single nucleotide variant.
Coding change: c.1622A>G on transcript NM_000066.4 (MANE Select); coding-DNA position 1622, A replaced by G.
Protein change: p.Asn541Ser; replaces asparagine 541 with serine.
Molecular consequence: missense variant.
Genome position (GRCh38, 1-based): chr1:56,929,558, T>C on the plus strand (A>G on the coding strand, the complement: C8B is on the minus strand). VCF-style: chr1-56929558-T-C. GRCh37 (hg19) VCF-style: chr1-57395231-T-C.
Other names: c.1622A>G (NM_000066.2); c.1466A>G, p.Asn489Ser (NM_001278543.2); c.1436A>G, p.Asn479Ser (NM_001278544.2); short protein forms N479S, N541S, N489S.
Identifiers: ClinVar variation 1397322 (VCV001397322.7), dbSNP rs371789315, ClinGen allele CA875561.
Genomic context (GRCh38, chr1:56,929,558, plus strand): 5'-CGTCTTCCAGAGCATGAAGACCAATTTGACCAGCAATTCCACTTCCCATCAATGGGGGTA[T>C]CTATAAGAAAGAAGGTCAATAAGCATCAATCAGCACTTCTTATATTCTGGTGCCTTACTG-3'
Protein context (NP_000057.3, residues 531-551): GLACEVSYRK[Asn541Ser]TPIDGKWNCW